The following is an entry in ClinVar:

ClinVar aggregate classification (germline): Uncertain significance (1 of 4 stars; one submission).

Allele frequency attached by ClinVar (database versions not stated): TOPMed 0.00001; ExAC 0.00003.
gnomAD v4.1: 27 of 1,588,136 alleles (0.0017%); highest among the groups gnomAD compares: Non-Finnish European, 0.0021%; no homozygotes.

Submission:

Labcorp Genetics (formerly Invitae), Labcorp
Classification: Uncertain significance. Last evaluated: 2023-10-14. Review status: criteria provided, single submitter. Criteria: Invitae Variant Classification Sherloc (09022015). Collection method: clinical testing. Allele origin: germline.
Comment: This sequence change replaces threonine, which is neutral and polar, with methionine, which is neutral and non-polar, at codon 361 of the CHRM3 protein (p.Thr361Met). This variant is present in population databases (rs774144467, gnomAD 0.004%). This variant has not been reported in the literature in individuals affected with CHRM3-related conditions. An algorithm developed to predict the effect of missense changes on protein structure and function (PolyPhen-2) suggests that this variant¬†is likely to be tolerated. In summary, the available evidence is currently insufficient to determine the role of this variant in disease. Therefore, it has been classified as a Variant of Uncertain Significance.

NM_001375978.1(CHRM3):c.1082C>T (p.Thr361Met)

Gene: CHRM3 (cholinergic receptor muscarinic 3; plus strand). Cytogenetic location: 1q43.
Variant type: single nucleotide variant.
Coding change: c.1082C>T on transcript NM_001375978.1 (MANE Select); coding-DNA position 1082, C replaced by T.
Protein change: p.Thr361Met; replaces threonine 361 with methionine.
Molecular consequence: missense variant.
Genome position (GRCh38, 1-based): chr1:239,908,533, C>T. VCF-style: chr1-239908533-C-T. GRCh37 (hg19) VCF-style: chr1-240071833-C-T.
Other names: c.1082C>T, p.Thr361Met (NM_000740.4, NM_001347716.2, NM_001375979.1 and 6 more transcripts); short protein forms T361M.
Identifiers: ClinVar variation 2732196 (VCV002732196.1), dbSNP rs774144467, ClinGen allele CA1475874.